The following is an entry in ClinVar:

NM_001365536.1(SCN9A):c.133G>T (p.Glu45Ter)

Gene: SCN9A (sodium voltage-gated channel alpha subunit 9; minus strand). Cytogenetic location: 2q24.3.
Variant type: single nucleotide variant.
Coding change: c.133G>T on transcript NM_001365536.1 (MANE Select); coding-DNA position 133, G replaced by T.
Protein change: p.Glu45Ter; replaces glutamic acid 45 with a stop codon.
Molecular consequence: nonsense.
Genome position (GRCh38, 1-based): chr2:166,311,624, C>A on the plus strand (G>T on the coding strand, the complement: SCN9A is on the minus strand). VCF-style: chr2-166311624-C-A. GRCh37 (hg19) VCF-style: chr2-167168134-C-A.
Other names: c.133G>T, p.Glu45Ter (NM_002977.4); short protein forms E45*.
Identifiers: ClinVar variation 648252 (VCV000648252.7), dbSNP rs1553498017, ClinGen allele CA349096034.

ClinVar aggregate classification (germline): Pathogenic (1 of 4 stars; one submission).

Conditions:
Neuropathy, hereditary sensory and autonomic, type 2A (HSAN2A). Also called: WNK1-Related HSAN2 (HSAN2A); MORVAN DISEASE; NEUROPATHY, CONGENITAL SENSORY; NEUROPATHY, HEREDITARY SENSORY RADICULAR, AUTOSOMAL RECESSIVE; NEUROPATHY, HEREDITARY SENSORY, TYPE IIA; NEUROPATHY, PROGRESSIVE SENSORY, OF CHILDREN. Identifiers: Orphanet 970, MedGen C2752089, MONDO:0024309, OMIM 201300.
Generalized epilepsy with febrile seizures plus, type 7 (GEFSP7). Also called: GEFS+, TYPE 7. Identifiers: Orphanet 36387, MedGen C2751778, MONDO:0013470, OMIM 613863.

Allele frequency attached by ClinVar (database versions not stated): gnomAD exomes below 0.00001.

Submission:

Labcorp Genetics (formerly Invitae), Labcorp
Classification: Pathogenic for Neuropathy, hereditary sensory and autonomic, type 2A; Generalized epilepsy with febrile seizures plus, type 7. Last evaluated: 2018-08-13. Review status: criteria provided, single submitter. Criteria: Invitae Variant Classification Sherloc (09022015). Collection method: clinical testing. Allele origin: germline.
Comment: For these reasons, this variant has been classified as Pathogenic. Loss-of-function variants in SCN9A are known to be pathogenic (PMID: 17470132, 19304393). This variant has not been reported in the literature in individuals with SCN9A-related disease. This variant is not present in population databases (ExAC no frequency). This sequence change creates a premature translational stop signal (p.Glu45*) in the SCN9A gene. It is expected to result in an absent or disrupted protein product.

Literature cited by the submitters: PubMed 17470132; PubMed 19304393.